The following is an entry in ClinVar:

ClinVar aggregate classification (germline): Uncertain significance. Review status: criteria provided, multiple submitters, no conflicts (2 of 4 stars). 3 submissions from 3 submitters: Uncertain significance (3). Last evaluated 2025-08-28.

Conditions:
Cardiovascular phenotype. Identifiers: MedGen CN230736.
Dilated cardiomyopathy 1JJ (CMD1JJ). Identifiers: Orphanet 154, MedGen C3808935, MONDO:0014095, OMIM 615235.

Allele frequency attached by ClinVar (database versions not stated): ExAC 0.00001; gnomAD exomes 0.00002 and 0.00001; TOPMed 0.00002; gnomAD 0.00001.
gnomAD v4.1: 11 of 1,613,826 alleles (0.00068%); highest among the groups gnomAD compares: East Asian, 0.018%; no homozygotes.

Submissions (3):

Labcorp Genetics (formerly Invitae), Labcorp
Classification: Uncertain significance for Dilated cardiomyopathy 1JJ. Last evaluated: 2025-08-28. Review status: criteria provided, single submitter. Criteria: Invitae Variant Classification Sherloc (09022015). Collection method: clinical testing. Allele origin: germline.
Comment: This sequence change replaces glutamic acid, which is acidic and polar, with lysine, which is basic and polar, at codon 1554 of the LAMA4 protein (p.Glu1554Lys). This variant is present in population databases (rs782515490, gnomAD 0.03%). This variant has not been reported in the literature in individuals affected with LAMA4-related conditions. ClinVar contains an entry for this variant (Variation ID: 646145). Invitae Evidence Modeling of protein sequence and biophysical properties (such as structural, functional, and spatial information, amino acid conservation, physicochemical variation, residue mobility, and thermodynamic stability) has been performed for this missense variant. However, the output from this modeling did not meet the statistical confidence thresholds required to predict the impact of this variant on LAMA4 protein function. In summary, the available evidence is currently insufficient to determine the role of this variant in disease. Therefore, it has been classified as a Variant of Uncertain Significance.

GeneDx
Classification: Uncertain significance. Last evaluated: 2024-07-24. Review status: criteria provided, single submitter. Criteria: GeneDx Variant Classification Process June 2021. Collection method: clinical testing. Allele origin: germline. Affected: yes.
Comment: Has not been previously published as pathogenic or benign to our knowledge; In silico analysis indicates that this missense variant does not alter protein structure/function

Ambry Genetics
Classification: Uncertain significance for Cardiovascular phenotype. Last evaluated: 2024-06-15. Review status: criteria provided, single submitter. Criteria: Ambry Variant Classification Scheme 2023. Collection method: clinical testing. Allele origin: germline.
Comment: The p.E1554K variant (also known as c.4660G>A), located in coding exon 33 of the LAMA4 gene, results from a G to A substitution at nucleotide position 4660. The glutamic acid at codon 1554 is replaced by lysine, an amino acid with similar properties. This amino acid position is conserved. In addition, the in silico prediction for this alteration is inconclusive. Since supporting evidence is limited at this time, the clinical significance of this alteration remains unclear.

NM_001105206.3(LAMA4):c.4681G>A (p.Glu1561Lys)

Gene: LAMA4 (laminin subunit alpha 4; minus strand). Cytogenetic location: 6q21.
Variant type: single nucleotide variant.
Coding change: c.4681G>A on transcript NM_001105206.3 (MANE Select); coding-DNA position 4681, G replaced by A.
Protein change: p.Glu1561Lys; replaces glutamic acid 1561 with lysine.
Molecular consequence: missense variant.
Genome position (GRCh38, 1-based): chr6:112,119,296, C>T on the plus strand (G>A on the coding strand, the complement: LAMA4 is on the minus strand). VCF-style: chr6-112119296-C-T. GRCh37 (hg19) VCF-style: chr6-112440499-C-T.
Other names: c.4660G>A, p.Glu1554Lys (NM_001105207.3, NM_002290.5); short protein forms E1554K, E1561K.
Identifiers: ClinVar variation 646145 (VCV000646145.12), dbSNP rs782515490, ClinGen allele CA3964924.